The following is an entry in ClinVar:

NM_001267550.2(TTN):c.67118T>A (p.Val22373Asp)

Genes: TTN (titin; minus strand), TTN-AS1 (TTN antisense RNA 1; plus strand). Cytogenetic location: 2q31.2.
Variant type: single nucleotide variant.
Coding change: c.67118T>A on transcript NM_001267550.2 (MANE Select); coding-DNA position 67118, T replaced by A.
Protein change: p.Val22373Asp; replaces valine 22373 with aspartic acid.
Molecular consequence: missense variant.
Genome position (GRCh38, 1-based): chr2:178,580,169, A>T on the plus strand (T>A on the coding strand, the complement: TTN is on the minus strand). VCF-style: chr2-178580169-A-T. GRCh37 (hg19) VCF-style: chr2-179444896-A-T.
Other names: p.V20732D:GTT>GAT; c.59414T>A, p.Val19805Asp (NM_133378.4); c.40298T>A, p.Val13433Asp (NM_133432.3); c.40499T>A, p.Val13500Asp (NM_133437.4); c.62195T>A, p.Val20732Asp (NM_001256850.1); c.39923T>A, p.Val13308Asp (NM_003319.4); short protein forms V20732D, V22373D, V13308D, V13433D, V13500D, V19805D.
Identifiers: ClinVar variation 202320 (VCV000202320.6), dbSNP rs774568339, ClinGen allele CA309076.

ClinVar aggregate classification (germline): Conflicting classifications of pathogenicity. Review status: criteria provided, conflicting classifications (1 of 4 stars). 3 submissions from 3 submitters: Uncertain significance (2); Likely benign (1). Last evaluated 2025-07-17.

Conditions:
Dilated cardiomyopathy 1G (CMD1G). Identifiers: Orphanet 154, MedGen C1858763, MONDO:0011400, OMIM 604145.
Autosomal recessive limb-girdle muscular dystrophy type 2J (LGMDR10). Also called: MUSCULAR DYSTROPHY, LIMB-GIRDLE, AUTOSOMAL RECESSIVE 10; Limb-girdle muscular dystrophy, type 2J. Identifiers: Orphanet 140922, MedGen C1837342, MONDO:0012127, OMIM 608807.
TTN-related disorder. Also called: TTN-related disorders; TTN-related condition; TTN-related disease.

Allele frequency attached by ClinVar (database versions not stated): gnomAD exomes below 0.00001; TOPMed 0.00002; gnomAD 0.00001.
gnomAD v4.1: 6 of 1,613,152 alleles (0.00037%); highest among the groups gnomAD compares: African/African-American, 0.0053%; no homozygotes.

Submissions (3):

PreventionGenetics, part of Exact Sciences
Classification: Uncertain significance for TTN-related condition. Last evaluated: 2025-07-17. Review status: criteria provided, single submitter. Criteria: ACMG Guidelines, 2015. Collection method: clinical testing. Allele origin: germline.
Comment: The TTN c.67118T>A variant is predicted to result in the amino acid substitution p.Val22373Asp. To our knowledge, this variant has not been reported in the literature or in a large population database (gnomAD), indicating this variant is rare. At this time, the clinical significance of this variant is uncertain due to the absence of conclusive functional and genetic evidence.

Labcorp Genetics (formerly Invitae), Labcorp
Classification: Uncertain significance for Dilated cardiomyopathy 1G; Autosomal recessive limb-girdle muscular dystrophy type 2J. Last evaluated: 2017-02-28. Review status: criteria provided, single submitter. Criteria: Invitae Variant Classification Sherloc (09022015). Collection method: clinical testing. Allele origin: germline.

GeneDx
Classification: Likely benign. Last evaluated: 2012-10-26. Review status: criteria provided, single submitter. Criteria: GeneDx Variant Classification (06012015). Collection method: clinical testing. Allele origin: germline. Affected: yes.
Comment: This variant is considered likely benign or benign based on one or more of the following criteria: it is a conservative change, it occurs at a poorly conserved position in the protein, it is predicted to be benign by multiple in silico algorithms, and/or has population frequency not consistent with disease.